The following is an entry in ClinVar:

ClinVar aggregate classification (germline): Conflicting classifications of pathogenicity. Review status: criteria provided, conflicting classifications (1 of 4 stars). 2 submissions from 2 submitters: Uncertain significance (1); Likely benign (1). Last evaluated 2025-10-02.

gnomAD v4.1: 3 of 1,613,984 alleles (0.00019%); highest among the groups gnomAD compares: African/African-American, 0.004%; no homozygotes.

Submissions (2):

GeneDx
Classification: Uncertain significance. Last evaluated: 2025-10-02. Review status: criteria provided, single submitter. Criteria: GeneDx Variant Classification Process June 2021. Collection method: clinical testing. Allele origin: germline. Affected: yes.
Comment: Not observed at significant frequency in large population cohorts (gnomAD); Has not been previously published as pathogenic or benign to our knowledge; In silico analysis is inconclusive as to whether the variant alters gene splicing. In the absence of RNA/functional studies, the actual effect of this sequence change is unknown.

Blueprint Genetics
Classification: Likely benign. Last evaluated: 2023-11-09. Review status: criteria provided, single submitter. Criteria: ACMG Guidelines, 2015. Collection method: clinical testing. Allele origin: germline.

NM_001371596.2(MFSD8):c.231C>T (p.Gly77=)

Gene: MFSD8 (major facilitator superfamily domain containing 8; minus strand). Cytogenetic location: 4q28.2.
Variant type: single nucleotide variant.
Coding change: c.231C>T on transcript NM_001371596.2 (MANE Select); coding-DNA position 231, C replaced by T.
Protein change: p.Gly77=; no amino-acid change (glycine 77 retained).
Molecular consequence: synonymous variant.
Genome position (GRCh38, 1-based): chr4:127,943,960, G>A on the plus strand (C>T on the coding strand, the complement: MFSD8 is on the minus strand). VCF-style: chr4-127943960-G-A. GRCh37 (hg19) VCF-style: chr4-128865115-G-A.
Other names: c.231C>T, p.Gly77= (NM_001363520.3, NM_001363521.3, NM_001371591.2 and 5 more transcripts); c.96C>T, p.Gly32= (NM_001371590.2, NM_001371595.1, NM_001410765.1).
Identifiers: ClinVar variation 3602468 (VCV003602468.3).